The following is an entry in ClinVar:

NM_014264.5(PLK4):c.1120C>T (p.Arg374Cys)

Gene: PLK4 (polo like kinase 4; plus strand). Cytogenetic location: 4q28.1.
Variant type: single nucleotide variant.
Coding change: c.1120C>T on transcript NM_014264.5 (MANE Select); coding-DNA position 1120, C replaced by T.
Protein change: p.Arg374Cys; replaces arginine 374 with cysteine.
Molecular consequence: missense variant.
Genome position (GRCh38, 1-based): chr4:127,886,490, C>T. VCF-style: chr4-127886490-C-T. GRCh37 (hg19) VCF-style: chr4-128807645-C-T.
Other names: c.1024C>T, p.Arg342Cys (NM_001190799.2); c.997C>T, p.Arg333Cys (NM_001190801.2); short protein forms R374C, R333C, R342C.
Identifiers: ClinVar variation 1942622 (VCV001942622.5), dbSNP rs1329334486, ClinGen allele CA358152478.
Genomic context (GRCh38, chr4:127,886,490, plus strand): 5'-AATAGTGGAAGGGGAAGAGTAATTCAAGATGCAGAAGAAAGGCCACATTCTCGATACCTT[C>T]GTAGAGCTTATTCCTCTGATAGATCTGGCACTTCTAATAGTCAGTCTCAAGCAAAAACAT-3'
Protein context (NP_055079.3, residues 364-384): AEERPHSRYL[Arg374Cys]RAYSSDRSGT

ClinVar aggregate classification (germline): Uncertain significance (1 of 4 stars; one submission).

Allele frequency attached by ClinVar (database versions not stated): gnomAD 0.00001; TOPMed 0.00001.
gnomAD v4.1: 24 of 1,613,684 alleles (0.0015%); highest among the groups gnomAD compares: Non-Finnish European, 0.0019%; no homozygotes.

Submission:

Labcorp Genetics (formerly Invitae), Labcorp
Classification: Uncertain significance. Last evaluated: 2024-11-05. Review status: criteria provided, single submitter. Criteria: Invitae Variant Classification Sherloc (09022015). Collection method: clinical testing. Allele origin: germline.
Comment: This sequence change replaces arginine, which is basic and polar, with cysteine, which is neutral and slightly polar, at codon 374 of the PLK4 protein (p.Arg374Cys). This variant is present in population databases (no rsID available, gnomAD 0.0009%). This variant has not been reported in the literature in individuals affected with PLK4-related conditions. ClinVar contains an entry for this variant (Variation ID: 1942622). An algorithm developed to predict the effect of missense changes on protein structure and function (PolyPhen-2) suggests that this variant is likely to be disruptive. In summary, the available evidence is currently insufficient to determine the role of this variant in disease. Therefore, it has been classified as a Variant of Uncertain Significance.